The following is an entry in ClinVar:

ClinVar aggregate classification (germline): Pathogenic (0 of 4 stars; one submission).

Conditions:
Kabuki syndrome 1 (KABUK1). Also called: KMT2D-Related Kabuki Syndrome. Identifiers: Orphanet 2322, MedGen CN030661, MONDO:0007843, OMIM 147920.

Submission:

Clinical Genomics Laboratory, Stanford Medicine
Classification: Pathogenic for Kabuki syndrome 1. Last evaluated: 2021-03-09. Review status: no assertion criteria provided. Collection method: clinical testing. Allele origin: germline. Inheritance: Autosomal dominant inheritance. Affected: yes. Observed: 1 heterozygote.
Comment: This variant was absent from large population databases, including the Genome Aggregation Database. The p.Gly2262Trpfs*37 variant results in a 1 bp insertion in exon 31/54, which causes a shift in the protein reading frame, leading to a premature termination codon 37 amino acids downstream. Heterozygous loss of function is an established mechanism of disease for the KMT2D gene. These data were assessed using the ACMG/AMP variant interpretation guidelines. In summary, there is sufficient evidence to classify the p.Gly2262Trpfs*37 variant as pathogenic for autosomal dominant Kabuki syndrome based on the information above. [ACMG evidence codes used: PVS1; PS2_Moderate; PM2]

NM_003482.4(KMT2D):c.6782dup (p.Gly2262fs)

Gene: KMT2D (lysine methyltransferase 2D; minus strand). Cytogenetic location: 12q13.12.
Variant type: Duplication.
Coding change: c.6782dup on transcript NM_003482.4 (MANE Select); coding-DNA position 6782, one base duplicated (C; older notation c.6782dupC).
Protein change: p.Gly2262fs; shifts the reading frame from glycine 2262.
Molecular consequence: frameshift variant.
Genome position (GRCh38, 1-based): chr12:49,040,988, G duplicated on the plus strand (C on the coding strand, the reverse complement: KMT2D is on the minus strand); the first of 3 consecutive G bases (chr12:49,040,988-49,040,990); duplicating any one gives the same sequence. VCF-style (leftmost placement, unchanged base first): chr12-49040987-A-AG. GRCh37 (hg19) VCF-style: chr12-49434770-A-AG.
Other names: p.Gly2262Trpfs*37; c.6782dup (NM_003482.3); short protein forms G2262fs.
Identifiers: ClinVar variation 2628103 (VCV002628103.1), dbSNP rs2498400869, ClinGen allele CA2695199083.